The following is an entry in ClinVar:

ClinVar aggregate classification (germline): Uncertain significance (1 of 4 stars; one submission).

Submission:

Labcorp Genetics (formerly Invitae), Labcorp
Classification: Uncertain significance. Last evaluated: 2019-10-31. Review status: criteria provided, single submitter. Criteria: Invitae Variant Classification Sherloc (09022015). Collection method: clinical testing. Allele origin: germline.
Comment: This sequence change replaces aspartic acid with glutamic acid at codon 2172 of the POLE protein (p.Asp2172Glu). The aspartic acid residue is moderately conserved and there is a small physicochemical difference between aspartic acid and glutamic acid. This variant is not present in population databases (ExAC no frequency). This variant has not been reported in the literature in individuals with POLE-related conditions. Algorithms developed to predict the effect of missense changes on protein structure and function output the following: SIFT: "Tolerated"; PolyPhen-2: "Benign"; Align-GVGD: "Class C0". The glutamic acid amino acid residue is found in multiple mammalian species, suggesting that this missense change does not adversely affect protein function. These predictions have not been confirmed by published functional studies and their clinical significance is uncertain. In summary, the available evidence is currently insufficient to determine the role of this variant in disease. Therefore, it has been classified as a Variant of Uncertain Significance.

NM_006231.4(POLE):c.6516C>G (p.Asp2172Glu)

Gene: POLE (DNA polymerase epsilon, catalytic subunit; minus strand). Cytogenetic location: 12q24.33.
Variant type: single nucleotide variant.
Coding change: c.6516C>G on transcript NM_006231.4 (MANE Select); coding-DNA position 6516, C replaced by G.
Protein change: p.Asp2172Glu; replaces aspartic acid 2172 with glutamic acid.
Molecular consequence: missense variant.
Genome position (GRCh38, 1-based): chr12:132,626,132, G>C on the plus strand (C>G on the coding strand, the complement: POLE is on the minus strand). VCF-style: chr12-132626132-G-C. GRCh37 (hg19) VCF-style: chr12-133202718-G-C.
Other names: short protein forms D2172E.
Identifiers: ClinVar variation 956851 (VCV000956851.9), dbSNP rs2041833312, ClinGen allele CA387367144.